The following is an entry in ClinVar:

NM_001042492.3(NF1):c.819C>T (p.Leu273=)

Gene: NF1 (neurofibromin 1; plus strand). Cytogenetic location: 17q11.2.
Variant type: single nucleotide variant.
Coding change: c.819C>T on transcript NM_001042492.3 (MANE Select); coding-DNA position 819, C replaced by T.
Protein change: p.Leu273=; no amino-acid change (leucine 273 retained).
Molecular consequence: synonymous variant.
Genome position (GRCh38, 1-based): chr17:31,182,596, C>T. VCF-style: chr17-31182596-C-T. GRCh37 (hg19) VCF-style: chr17-29509614-C-T.
Other names: c.819C>T, p.Leu273= (NM_000267.4, NM_001128147.3).
Identifiers: ClinVar variation 413022 (VCV000413022.16), dbSNP rs765595990, ClinGen allele CA8485643.
Genomic context (GRCh38, chr17:31,182,596, plus strand): 5'-GGATGGTTTTGCTGAAAGCACCAAACGTAAAGCAGCAGTTTGGCCACTACAAATCATTCT[C>T]CTTATCTTGTGTCCAGAAATAATCCAGGATATATCCAAAGACGTGGTTGATGAAAACAAC-3'
Protein context (NP_001035957.1, residues 263-283): KAAVWPLQII[Leu273=]LILCPEIIQD

ClinVar aggregate classification (germline): Likely benign. Review status: criteria provided, multiple submitters, no conflicts (2 of 4 stars). 4 submissions from 4 submitters: Likely benign (3). 1 of the submissions does not count toward it. Last evaluated 2025-09-22.

Conditions:
NF1-related disorder. Also called: NF1-related condition. Identifiers: MedGen CN379171.
Hereditary cancer-predisposing syndrome. Also called: Tumor predisposition; Neoplastic Syndromes, Hereditary; Hereditary Cancer Syndrome; Hereditary neoplastic syndrome. Identifiers: Orphanet 140162, MedGen C0027672, MeSH D009386, MONDO:0015356.
Cardiovascular phenotype. Identifiers: MedGen CN230736.
Neurofibromatosis, type 1 (NF1). Also called: NEUROFIBROMATOSIS, TYPE I, SOMATIC; Peripheral type neurofibromatosis; Neurofibromatosis, type I; VON RECKLINGHAUSEN DISEASE. Identifiers: Orphanet 636, MedGen C0027831, MONDO:0018975, OMIM 162200. Disease mechanism: loss of function.

Allele frequency attached by ClinVar (database versions not stated): ExAC 0.00001; gnomAD exomes 0.00001; TOPMed 0.00001.
gnomAD v4.1: 19 of 1,613,994 alleles (0.0012%); highest among the groups gnomAD compares: East Asian, 0.0022%; no homozygotes.

Submissions (4):

Labcorp Genetics (formerly Invitae), Labcorp
Classification: Likely benign for Neurofibromatosis, type 1. Last evaluated: 2025-09-22. Review status: criteria provided, single submitter. Criteria: Invitae Variant Classification Sherloc (09022015). Collection method: clinical testing. Allele origin: germline.

Genome-Nilou Lab
Classification: Likely benign for Neurofibromatosis, type 1. Last evaluated: 2022-03-15. Review status: criteria provided, single submitter. Criteria: ACMG Guidelines, 2015. Collection method: clinical testing. Allele origin: germline. Affected: no.

Ambry Genetics
Classification: Likely benign for Cardiovascular phenotype; Hereditary cancer-predisposing syndrome. Last evaluated: 2016-12-10. Review status: criteria provided, single submitter. Criteria: Ambry Variant Classification Scheme 2023. Collection method: clinical testing. Allele origin: germline.

PreventionGenetics, part of Exact Sciences
Classification: Likely benign for NF1-related condition. Last evaluated: 2019-11-20. Review status: no assertion criteria provided. Collection method: clinical testing. Allele origin: germline. Not counted in ClinVar's aggregate classification.
Comment: This variant is classified as likely benign based on ACMG/AMP sequence variant interpretation guidelines (Richards et al. 2015 PMID: 25741868, with internal and published modifications).